The following is an entry in ClinVar:

ClinVar aggregate classification (germline): Uncertain significance (1 of 4 stars; one submission).

Conditions:
X-linked lymphoproliferative disease due to SH2D1A deficiency (XLP1). Also called: SH2D1A-Related Lymphoproliferative Disease, X-Linked; EBV infection severe susceptibility to; Epstein Barr virus infection familial fatal; Duncan's syndrome; DUNCAN DISEASE; IMMUNODEFICIENCY 5. Identifiers: Orphanet 2442, Orphanet 538931, MedGen C5399825, MONDO:0024551, OMIM 308240.

Submission:

Labcorp Genetics (formerly Invitae), Labcorp
Classification: Uncertain significance for X-linked lymphoproliferative disease due to SH2D1A deficiency. Last evaluated: 2022-09-07. Review status: criteria provided, single submitter. Criteria: Invitae Variant Classification Sherloc (09022015). Collection method: clinical testing. Allele origin: germline.
Comment: In summary, the available evidence is currently insufficient to determine the role of this variant in disease. Therefore, it has been classified as a Variant of Uncertain Significance. Algorithms developed to predict the effect of missense changes on protein structure and function (SIFT, PolyPhen-2, Align-GVGD) all suggest that this variant is likely to be tolerated. This variant has not been reported in the literature in individuals affected with SH2D1A-related conditions. This variant is not present in population databases (gnomAD no frequency). This sequence change replaces tyrosine, which is neutral and polar, with cysteine, which is neutral and slightly polar, at codon 47 of the SH2D1A protein (p.Tyr47Cys).

NM_002351.5(SH2D1A):c.140A>G (p.Tyr47Cys)

Gene: SH2D1A (SH2 domain containing 1A; plus strand). Cytogenetic location: Xq25.
Variant type: single nucleotide variant.
Coding change: c.140A>G on transcript NM_002351.5 (MANE Select); coding-DNA position 140, A replaced by G.
Protein change: p.Tyr47Cys; replaces tyrosine 47 with cysteine.
Molecular consequence: missense variant.
Genome position (GRCh38, 1-based): chrX:124,365,763, A>G. VCF-style: chrX-124365763-A-G. GRCh37 (hg19) VCF-style: chrX-123499613-A-G.
Other names: c.140A>G, p.Tyr47Cys (NM_001114937.3); short protein forms Y47C.
Identifiers: ClinVar variation 1718192 (VCV001718192.5), dbSNP rs2522814875, ClinGen allele CA414123382.
Genomic context (GRCh38, chrX:124,365,763, plus strand): 5'-TTAAAGTATCCATTGTTCTTTTGGAATCTTTCAGTAATGGAAGTTTATTCTTTCACAGGT[A>G]TCACGGTTACATTTATACATACCGAGTGTCCCAGACAGAAACAGGTTCTTGGAGTGCTGA-3'
Protein context (NP_002342.1, residues 37-57): VPGVYCLCVL[Tyr47Cys]HGYIYTYRVS